The following is an entry in ClinVar:

NM_000215.4(JAK3):c.308+2T>C

Gene: JAK3 (Janus kinase 3; minus strand). Cytogenetic location: 19p13.11.
Variant type: single nucleotide variant.
Coding change: c.308+2T>C on transcript NM_000215.4 (MANE Select); the canonical splice donor site of the intron after coding-DNA position 308, T replaced by C.
Molecular consequence: splice donor variant.
Genome position (GRCh38, 1-based): chr19:17,843,775, A>G on the plus strand (T>C on the coding strand, the complement: JAK3 is on the minus strand). VCF-style: chr19-17843775-A-G. GRCh37 (hg19) VCF-style: chr19-17954584-A-G.
Identifiers: ClinVar variation 2768381 (VCV002768381.6), dbSNP rs2514580420, ClinGen allele CA404774350.

ClinVar aggregate classification (germline): Likely pathogenic. Review status: criteria provided, multiple submitters, no conflicts (2 of 4 stars). 2 submissions from 2 submitters: Likely pathogenic (2). Last evaluated 2024-02-28.

Conditions:
T-B+ severe combined immunodeficiency due to JAK3 deficiency. Also called: SCID, T CELL-NEGATIVE, B CELL-POSITIVE, NK CELL-NEGATIVE; SCID, autosomal recessive, T-negative/B-positive type. Identifiers: Orphanet 35078, MedGen C1833275, MONDO:0010938, OMIM 600802.

Submissions (3):

Fulgent Genetics
Classification: Likely pathogenic for T-B+ severe combined immunodeficiency due to JAK3 deficiency. Last evaluated: 2024-02-28. Review status: criteria provided, single submitter. Criteria: ACMG Guidelines, 2015. Collection method: clinical testing. Allele origin: germline.

Labcorp Genetics (formerly Invitae), Labcorp
Classification: Likely pathogenic for T-B+ severe combined immunodeficiency due to JAK3 deficiency. Last evaluated: 2023-10-14. Review status: criteria provided, single submitter. Criteria: Invitae Variant Classification Sherloc (09022015). Collection method: clinical testing. Allele origin: germline.
Comment: This sequence change affects a donor splice site in intron 3 of the JAK3 gene. It is expected to disrupt RNA splicing. Variants that disrupt the donor or acceptor splice site typically lead to a loss of protein function (PMID: 16199547), and loss-of-function variants in JAK3 are known to be pathogenic (PMID: 7481768, 11668621). This variant is not present in population databases (gnomAD no frequency). This variant has not been reported in the literature in individuals affected with JAK3-related conditions. Algorithms developed to predict the effect of sequence changes on RNA splicing suggest that this variant may disrupt the consensus splice site. In summary, the currently available evidence indicates that the variant is pathogenic, but additional data are needed to prove that conclusively. Therefore, this variant has been classified as Likely Pathogenic.

Dr. Peter K. Rogan Lab, Western University
No classification provided (evidence only). Condition: Thyroid cancer, nonmedullary, 1. Review status: no classification provided. Collection method: in vitro. Allele origin: not applicable. Functional consequence: retained intron. Not counted in ClinVar's aggregate classification.

Literature cited by the submitters: PubMed 16199547 (cited by Labcorp Genetics (formerly Invitae), Labcorp); PubMed 7481768 (cited by Labcorp Genetics (formerly Invitae), Labcorp); PubMed 11668621 (cited by Labcorp Genetics (formerly Invitae), Labcorp).